The following is an entry in ClinVar:

ClinVar aggregate classification (germline): Pathogenic (1 of 4 stars; one submission).

Conditions:
Spermatogenic failure 18. Identifiers: MedGen C4539783, MONDO:0054615, OMIM 617576.

Allele frequency attached by ClinVar (database versions not stated): ExAC 0.00019.
gnomAD v4.1: 140 of 1,613,676 alleles (0.0087%); highest among the groups gnomAD compares: East Asian, 0.15%; no homozygotes.

Submission:

Institute of Reproductive and Stem Cell Engineering, Central South University
Classification: Pathogenic for Spermatogenic failure 18. Last evaluated: 2023-10-24. Review status: criteria provided, single submitter. Criteria: Tu et al. (Clin Genet. 2020). Collection method: research. Allele origin: inherited. Inheritance: Autosomal recessive inheritance. Affected: yes. Observed: 1 compound heterozygote.
Comment: The DNAH3 variant (Gly1715Ser) was shown to be highly conserved across multiple species and recorded as absent and predicted to be deleterious via in silico bioinformatics databases. Three-dimensional modelling of the DNAH3 protein showed that this mutation disrupted hydrogen bonds and altered the distance between atoms of adjacent amino acids, which is likely to disrupt protein stability and function. Western blot have showed that expression of DNAH3 protein was decressed in the spermatozoa from the patient. In addition, the two Dnah3 knockout mice lines generated in our experiments recapitulated asthenoteratozoospermia similar to the patient. In summary, the variant (Gly1715Ser) meets our criteria to be classifiedas pathogenic based upon segregation studies, bioinformatics prediction in silico, and functional experiment evidence.

NM_001347886.2(DNAH3):c.5005G>A (p.Gly1669Ser)

Gene: DNAH3 (dynein axonemal heavy chain 3; minus strand). Cytogenetic location: 16p12.3.
Variant type: single nucleotide variant.
Coding change: c.5005G>A on transcript NM_001347886.2 (MANE Select); coding-DNA position 5005, G replaced by A.
Protein change: p.Gly1669Ser; replaces glycine 1669 with serine.
Molecular consequence: missense variant.
Genome position (GRCh38, 1-based): chr16:21,034,028, C>T on the plus strand (G>A on the coding strand, the complement: DNAH3 is on the minus strand). VCF-style: chr16-21034028-C-T. GRCh37 (hg19) VCF-style: chr16-21045350-C-T.
Other names: c.5143G>A, p.Gly1715Ser (NM_017539.2); short protein forms G1669S, G1715S.
Identifiers: ClinVar variation 2627626 (VCV002627626.2), dbSNP rs768646066, ClinGen allele CA7947527.